The following is an entry in ClinVar:

NM_002519.3(NPAT):c.3580G>T (p.Gly1194Cys)

Gene: NPAT (nuclear protein, coactivator of histone transcription; minus strand). Cytogenetic location: 11q22.3.
Variant type: single nucleotide variant.
Coding change: c.3580G>T on transcript NM_002519.3 (MANE Select); coding-DNA position 3580, G replaced by T.
Protein change: p.Gly1194Cys; replaces glycine 1194 with cysteine.
Molecular consequence: missense variant.
Genome position (GRCh38, 1-based): chr11:108,161,506, C>A on the plus strand (G>T on the coding strand, the complement: NPAT is on the minus strand). VCF-style: chr11-108161506-C-A. GRCh37 (hg19) VCF-style: chr11-108032233-C-A.
Other names: c.3601G>T, p.Gly1201Cys (NM_001321307.1); short protein forms G1194C, G1201C.
Identifiers: ClinVar variation 1338701 (VCV001338701.10), dbSNP rs181187590, ClinGen allele CA6263561.
Genomic context (GRCh38, chr11:108,161,506, plus strand): 5'-ATGTGCCTTGTTTTTTGGTCATTTCTTGCAGTGAAGCTATAGATTTCTCACTTCGCAAAC[C>A]CCCATTTTGCTGCCCAATAGATAGTTTTGAATTTTCTGGATTTTTCTGTCTTTCTACATC-3'
Protein context (NP_002510.2, residues 1184-1204): SKLSIGQQNG[Gly1194Cys]LRSEKSIASL

ClinVar aggregate classification (germline): Benign/Likely benign. Review status: criteria provided, multiple submitters, no conflicts (2 of 4 stars). 3 submissions from 3 submitters: Benign (2); Likely benign (1). Last evaluated 2026-06-01.

Allele frequency attached by ClinVar (database versions not stated): 1000 Genomes Project 30x 0.00156; ESP Exome Variant Server 0.00177; TOPMed 0.00178; 1000 Genomes Project 0.00200; gnomAD exomes 0.00387 and 0.00557; gnomAD 0.00474 and 0.00496; ExAC 0.00552.
gnomAD v4.1: 6,302 of 1,614,144 alleles (0.39%); highest among the groups gnomAD compares: Non-Finnish European, 0.31%; 59 homozygotes.

Submissions (3):

CeGaT Center for Human Genetics Tuebingen
Classification: Likely benign. Last evaluated: 2026-06-01. Review status: criteria provided, single submitter. Criteria: CeGaT Center For Human Genetics Tuebingen Variant Classification Criteria Version 2. Collection method: clinical testing. Allele origin: germline. Affected: yes. Observed: 1 variant allele.
Comment: NPAT: BP4, BS2

Labcorp Genetics (formerly Invitae), Labcorp
Classification: Benign. Last evaluated: 2026-01-26. Review status: criteria provided, single submitter. Criteria: Invitae Variant Classification Sherloc (09022015). Collection method: clinical testing. Allele origin: germline.

Genetic Services Laboratory, University of Chicago
Classification: Benign. Last evaluated: 2019-08-30. Review status: criteria provided, single submitter. Criteria: ACMG Guidelines, 2015. Collection method: clinical testing. Allele origin: germline. Affected: no.